The following is an entry in ClinVar:

NM_001312909.2(FAM111A):c.1600A>G (p.Thr534Ala)

Gene: FAM111A (FAM111 trypsin like peptidase A; plus strand). Cytogenetic location: 11q12.1.
Variant type: single nucleotide variant.
Coding change: c.1600A>G on transcript NM_001312909.2 (MANE Select); coding-DNA position 1600, A replaced by G.
Protein change: p.Thr534Ala; replaces threonine 534 with alanine.
Molecular consequence: missense variant.
Genome position (GRCh38, 1-based): chr11:59,153,268, A>G. VCF-style: chr11-59153268-A-G. GRCh37 (hg19) VCF-style: chr11-58920741-A-G.
Other names: c.1600A>G, p.Thr534Ala (NM_001142519.3, NM_001142520.3, NM_001142521.3 and 29 more transcripts); short protein forms T534A.
Identifiers: ClinVar variation 1915666 (VCV001915666.5), dbSNP rs549839490, ClinGen allele CA6016793.
Genomic context (GRCh38, chr11:59,153,268, plus strand): 5'-ATGTATACTCAAAGAAGTTTCCAGAAAATAGTTCACAACCCTGATGTGATTACCTATGAC[A>G]CTGAATTTTTCTTTGGGGCTTCCGGCTCCCCTGTGTTTGATTCAAAAGGTTCATTGGTGG-3'
Protein context (NP_001299838.1, residues 524-544): VHNPDVITYD[Thr534Ala]EFFFGASGSP

ClinVar aggregate classification (germline): Uncertain significance (1 of 4 stars; one submission).

Allele frequency attached by ClinVar (database versions not stated): TOPMed below 0.00001; ExAC 0.00001; gnomAD 0.00001; gnomAD exomes 0.00001.
gnomAD v4.1: 16 of 1,614,106 alleles (0.00099%); highest among the groups gnomAD compares: African/African-American, 0.013%; no homozygotes.

Submission:

Labcorp Genetics (formerly Invitae), Labcorp
Classification: Uncertain significance. Last evaluated: 2025-10-16. Review status: criteria provided, single submitter. Criteria: Invitae Variant Classification Sherloc (09022015). Collection method: clinical testing. Allele origin: germline.
Comment: This sequence change replaces threonine, which is neutral and polar, with alanine, which is neutral and non-polar, at codon 534 of the FAM111A protein (p.Thr534Ala). This variant is present in population databases (rs549839490, gnomAD 0.004%). This variant has not been reported in the literature in individuals affected with FAM111A-related conditions. ClinVar contains an entry for this variant (Variation ID: 1915666). Invitae Evidence Modeling of protein sequence and biophysical properties (such as structural, functional, and spatial information, amino acid conservation, physicochemical variation, residue mobility, and thermodynamic stability) indicates that this missense variant is expected to disrupt FAM111A protein function with a positive predictive value of 80%. In summary, the available evidence is currently insufficient to determine the role of this variant in disease. Therefore, it has been classified as a Variant of Uncertain Significance.